The following is an entry in ClinVar:

NM_001378183.1(PIEZO2):c.4203C>G (p.His1401Gln)

Gene: PIEZO2 (piezo type mechanosensitive ion channel component 2; minus strand). Cytogenetic location: 18p11.22.
Variant type: single nucleotide variant.
Coding change: c.4203C>G on transcript NM_001378183.1 (MANE Select); coding-DNA position 4203, C replaced by G.
Protein change: p.His1401Gln; replaces histidine 1401 with glutamine.
Molecular consequence: missense variant.
Genome position (GRCh38, 1-based): chr18:10,750,152, G>C on the plus strand (C>G on the coding strand, the complement: PIEZO2 is on the minus strand). VCF-style: chr18-10750152-G-C. GRCh37 (hg19) VCF-style: chr18-10750150-G-C.
Other names: c.4128C>G, p.His1376Gln (NM_022068.4); c.4128C>G (NM_022068.3); short protein forms H1376Q, H1401Q.
Identifiers: ClinVar variation 1217777 (VCV001217777.15), dbSNP rs79261438, ClinGen allele CA8892462.

ClinVar aggregate classification (germline): Benign/Likely benign. Review status: criteria provided, multiple submitters, no conflicts (2 of 4 stars). 6 submissions from 6 submitters: Benign (1); Likely benign (3). 2 of the submissions do not count toward it. Last evaluated 2026-02-01.

Conditions:
Arthrogryposis, distal, with impaired proprioception and touch (DAIPT). Identifiers: MedGen C4310692, MONDO:0014941, OMIM 617146.

Allele frequency attached by ClinVar (database versions not stated): 1000 Genomes Project 0.01318; ExAC 0.02511; ESP Exome Variant Server 0.02891; gnomAD 0.02251 and 0.02303; gnomAD exomes 0.02516 and 0.03072; 1000 Genomes Project 30x 0.01390; TOPMed 0.02390.
gnomAD v4.1: 45,890 of 1,536,630 alleles (3%); highest among the groups gnomAD compares: Middle Eastern, 4.5%; 791 homozygotes.

Submissions (6):

Labcorp Genetics (formerly Invitae), Labcorp
Classification: Benign. Last evaluated: 2026-02-01. Review status: criteria provided, single submitter. Criteria: Invitae Variant Classification Sherloc (09022015). Collection method: clinical testing. Allele origin: germline.

Victorian Clinical Genetics Services, Murdoch Childrens Research Institute
Classification: Likely benign for Arthrogryposis, distal, with impaired proprioception and touch. Last evaluated: 2023-07-17. Review status: criteria provided, single submitter. Criteria: ACMG Guidelines, 2015. Collection method: clinical testing. Allele origin: germline. Inheritance: Autosomal recessive inheritance.
Comment: Based on the classification scheme VCGS_Germline_v1.3.4, this variant is classified as likely benign. Following criteria are met: 0308 - Population frequency for this variant is out of keeping with known incidence of arthrogryposis, distal, with impaired proprioception and touch (MIM#617146), with 61 homozygotes in gnomAD v2. (SB) Legend: (SP) - Supporting pathogenic, (I) - Information, (SB) - Supporting benign

GeneDx
Classification: Likely benign. Last evaluated: 2020-12-14. Review status: criteria provided, single submitter. Criteria: GeneDx Variant Classification Process June 2021. Collection method: clinical testing. Allele origin: germline. Affected: yes.

Breakthrough Genomics
Classification: Likely benign. Review status: criteria provided, single submitter. Criteria: ACMG Guidelines, 2015. Collection method: not provided. Allele origin: germline. Inheritance: Autosomal recessive inheritance. Affected: yes.

Clinical Genetics, Academic Medical Center
Classification: Benign. Review status: no assertion criteria provided. Collection method: clinical testing. Allele origin: germline. Affected: yes. Study: VKGL Data-share Consensus. Not counted in ClinVar's aggregate classification.

Genome Diagnostics Laboratory, University Medical Center Utrecht
Classification: Benign. Review status: no assertion criteria provided. Collection method: clinical testing. Allele origin: germline. Affected: yes. Study: VKGL Data-share Consensus. Not counted in ClinVar's aggregate classification.